The following is an entry in ClinVar:

ClinVar aggregate classification (germline): Pathogenic (1 of 4 stars; one submission).

Conditions:
Hereditary cancer-predisposing syndrome. Also called: Hereditary neoplastic syndrome; Hereditary Cancer Syndrome; Neoplastic Syndromes, Hereditary; Tumor predisposition. Identifiers: Orphanet 140162, MedGen C0027672, MeSH D009386, MONDO:0015356.

Submission:

Color Diagnostics, LLC DBA Color Health
Classification: Pathogenic for Hereditary cancer-predisposing syndrome. Last evaluated: 2023-02-16. Review status: criteria provided, single submitter. Criteria: ACMG Guidelines, 2015. Collection method: clinical testing. Allele origin: germline.
Comment: This variant inserts 11 nucleotides in exon 8 of the MSH6 gene, creating a frameshift and premature translation stop signal. This variant is expected to result in an absent or non-functional protein product. To our knowledge, this variant has not been reported in individuals affected with MSH6-related disorders in the literature. This variant has not been identified in the general population by the Genome Aggregation Database (gnomAD). Loss of MSH6 function is a known mechanism of disease. Based on the available evidence, this variant is classified as Pathogenic.

NM_000179.3(MSH6):c.3649_3650insCTGCAACATTT (p.Arg1217fs)

Gene: MSH6 (mutS homolog 6; plus strand). Cytogenetic location: 2p16.3.
Variant type: Insertion.
Coding change: c.3649_3650insCTGCAACATTT on transcript NM_000179.3 (MANE Select); coding-DNA positions 3649 to 3650, CTGCAACATTT inserted.
Protein change: p.Arg1217fs; shifts the reading frame from arginine 1217.
Molecular consequence: frameshift variant. On other transcripts: non-coding transcript variant (5).
Genome position: GRCh38 VCF-style: chr2-47806206-A-ACTGCAACATTT. GRCh37 (hg19) VCF-style: chr2-48033345-A-ACTGCAACATTT.
Other names: c.3259_3260insCTGCAACATTT, p.Arg1087fs (NM_001281492.2); c.2743_2744insCTGCAACATTT, p.Arg915fs (NM_001281493.2, NM_001281494.2, NM_001406811.1 and 6 more transcripts); c.3745_3746insCTGCAACATTT, p.Arg1249fs (NM_001406795.1, NM_001406802.1); c.3649_3650insCTGCAACATTT, p.Arg1217fs (NM_001406796.1, NM_001406800.1, NM_001406808.1 and 1 more transcripts); c.3352_3353insCTGCAACATTT, p.Arg1118fs (NM_001406797.1, NM_001406801.1, NM_001406805.1 and 10 more transcripts); c.3475_3476insCTGCAACATTT, p.Arg1159fs (NM_001406798.1); c.3124_3125insCTGCAACATTT, p.Arg1042fs (NM_001406799.1, NM_001406806.1, NM_001406807.1); c.2785_2786insCTGCAACATTT, p.Arg929fs (NM_001406803.1); and 7 more; short protein forms R1249fs, R166fs, R532fs, R929fs, R144fs, R695fs, R1042fs, R1217fs.
Identifiers: ClinVar variation 2773663 (VCV002773663.2), dbSNP rs2530837437, ClinGen allele CA2697548070.